The following is an entry in ClinVar:

ClinVar aggregate classification (germline): Pathogenic (1 of 4 stars; one submission).

Conditions:
Aicardi-Goutieres syndrome 2. Identifiers: Orphanet 51, MedGen C3489724, MONDO:0012429, OMIM 610181.

Submission:

Labcorp Genetics (formerly Invitae), Labcorp
Classification: Pathogenic for Aicardi-Goutieres syndrome 2. Last evaluated: 2023-10-12. Review status: criteria provided, single submitter. Criteria: Invitae Variant Classification Sherloc (09022015). Collection method: clinical testing. Allele origin: unknown.
Comment: A gross deletion of the genomic region encompassing the full coding sequence of the RNASEH2B gene has been identified. Loss-of-function variants in RNASEH2B are known to be pathogenic (PMID: 17846997). The boundaries of this event are unknown as they extend beyond the assayed region for this gene and therefore may encompass additional genes. This variant has not been reported in the literature in individuals affected with RNASEH2B-related conditions. For these reasons, this variant has been classified as Pathogenic.

Literature cited by the submitters: PubMed 17846997.

NC_000013.10:g.(?_51484213)_(51530610_?)del

Gene: RNASEH2B (ribonuclease H2 subunit B; plus strand). Cytogenetic location: 13q14.3.
Variant type: Deletion.
Identifiers: ClinVar variation 3244196 (VCV003244196.1).